The following is an entry in ClinVar:

NM_000059.4(BRCA2):c.8633-2A>C

Gene: BRCA2 (BRCA2 DNA repair associated; plus strand). Cytogenetic location: 13q13.1.
Variant type: single nucleotide variant.
Coding change: c.8633-2A>C on transcript NM_000059.4 (MANE Select); the canonical splice acceptor site of the intron before coding-DNA position 8633, A replaced by C.
Molecular consequence: splice acceptor variant.
Genome position (GRCh38, 1-based): chr13:32,376,668, A>C. VCF-style: chr13-32376668-A-C. GRCh37 (hg19) VCF-style: chr13-32950805-A-C.
Other names: c.8633-2A>C (NM_001406720.1, NM_000059.3); c.8537-2A>C (NM_001406719.1); c.3701-2A>C (NM_001406721.1); c.2216-2A>C (NM_001406722.1).
Identifiers: ClinVar variation 1069528 (VCV001069528.10), dbSNP rs81002886, ClinGen allele CA387754590.

ClinVar aggregate classification (germline): Pathogenic/Likely pathogenic. Review status: criteria provided, multiple submitters, no conflicts (2 of 4 stars). 2 submissions from 2 submitters: Pathogenic (1); Likely pathogenic (1). Last evaluated 2024-07-03.

Conditions:
Hereditary cancer-predisposing syndrome. Also called: Hereditary neoplastic syndrome; Tumor predisposition; Hereditary Cancer Syndrome; Neoplastic Syndromes, Hereditary. Identifiers: Orphanet 140162, MedGen C0027672, MeSH D009386, MONDO:0015356.
Hereditary breast ovarian cancer syndrome. Also called: Breast and ovarian cancer; BRCA1- and BRCA2-Associated Hereditary Breast and Ovarian Cancer; Hereditary breast and ovarian cancer syndrome; Hereditary breast and/or ovarian cancer syndrome; Hereditary breast and ovarian cancer; Hereditary breast and ovarian cancer syndrome (HBOC). Identifiers: Orphanet 145, MedGen C0677776, MeSH D061325, MONDO:0003582. Disease mechanism: loss of function.

Submissions (2):

Ambry Genetics
Classification: Likely pathogenic for Hereditary cancer-predisposing syndrome. Last evaluated: 2024-07-03. Review status: criteria provided, single submitter. Criteria: Ambry Variant Classification Scheme 2023. Collection method: clinical testing. Allele origin: germline.
Comment: The c.8633-2A>C intronic variant results from an A to C substitution two nucleotides upstream from coding exon 20 in the BRCA2 gene. This variant is considered to be rare based on population cohorts in the Genome Aggregation Database (gnomAD). This nucleotide position is highly conserved in available vertebrate species. In silico splice site analysis predicts that this alteration will weaken the native splice acceptor site and will result in the creation or strengthening of a novel splice acceptor site. Alterations that disrupt the canonical splice site are expected to cause aberrant splicing, resulting in an abnormal protein or a transcript that is subject to nonsense-mediated mRNA decay. As such, this alteration is classified as likely pathogenic.

Labcorp Genetics (formerly Invitae), Labcorp
Classification: Pathogenic for Hereditary breast ovarian cancer syndrome. Last evaluated: 2022-11-18. Review status: criteria provided, single submitter. Criteria: Invitae Variant Classification Sherloc (09022015). Collection method: clinical testing. Allele origin: germline.
Comment: This sequence change affects an acceptor splice site in intron 20 of the BRCA2 gene. RNA analysis indicates that disruption of this splice site induces altered splicing and may result in an absent or disrupted protein product. This variant is not present in population databases (gnomAD no frequency). Disruption of this splice site has been observed in individual(s) with ovarian cancer (PMID: 16619214). ClinVar contains an entry for this variant (Variation ID: 1069528). Studies have shown that disruption of this splice site results in an insertion from intron 20 and a partial deletion of exon 21 and introduces a premature termination codon (PMID: 16619214). The resulting mRNA is expected to undergo nonsense-mediated decay. For these reasons, this variant has been classified as Pathogenic.

Literature cited by the submitters: PubMed 16619214 (cited by Labcorp Genetics (formerly Invitae), Labcorp).